The following is an entry in ClinVar:

NM_020884.7(MYH7B):c.4865AGA[2] (p.Lys1624del)

Gene: MYH7B (myosin heavy chain 7B; plus strand). Cytogenetic location: 20q11.22.
Variant type: Microsatellite.
Coding change: c.4865AGA[2] on transcript NM_020884.7 (MANE Select); two copies in a row of the 3-base unit AGA starting at c.4865; the reference has three copies in a row; one copy, 3 bases deleted.
Protein change: p.Lys1624del; deletes lysine 1624.
Molecular consequence: inframe deletion.
Genome position (GRCh38, 1-based): chr20:35,000,382-35,000,384, AGA deleted; deleting any 3 consecutive bases within chr20:35,000,375-35,000,384 gives the same sequence; the position shown is the placement nearest the transcript's 3' end. VCF-style (leftmost placement, unchanged base first): chr20-35000374-CAAG-C. GRCh37 (hg19) VCF-style: chr20-33588177-CAAG-C.
Other names: c.4997_4999delAGA (NM_020884.3); short protein forms K1624del.
Identifiers: ClinVar variation 422771 (VCV000422771.10), dbSNP rs558415770, ClinGen allele CA9828358.

ClinVar aggregate classification (germline): Uncertain significance. Review status: criteria provided, multiple submitters, no conflicts (2 of 4 stars). 3 submissions from 3 submitters: Uncertain significance (3). Last evaluated 2024-01-29.

Submissions (3):

Labcorp Genetics (formerly Invitae), Labcorp
Classification: Uncertain significance. Last evaluated: 2024-01-29. Review status: criteria provided, single submitter. Criteria: Invitae Variant Classification Sherloc (09022015). Collection method: clinical testing. Allele origin: germline.
Comment: This variant, c.4997_4999del, results in the deletion of 1 amino acid(s) of the MYH7B protein (p.Lys1666del), but otherwise preserves the integrity of the reading frame. This variant is present in population databases (rs558415770, gnomAD 0.08%), and has an allele count higher than expected for a pathogenic variant. This variant has not been reported in the literature in individuals affected with MYH7B-related conditions. Experimental studies and prediction algorithms are not available or were not evaluated, and the functional significance of this variant is currently unknown. In summary, the available evidence is currently insufficient to determine the role of this variant in disease. Therefore, it has been classified as a Variant of Uncertain Significance.

GeneDx
Classification: Uncertain significance. Last evaluated: 2019-09-04. Review status: criteria provided, single submitter. Criteria: GeneDx Variant Classification Process June 2021. Collection method: clinical testing. Allele origin: germline. Affected: yes.
Comment: In-frame deletion of 1 amino acid in a non-repeat region; In silico analysis, which includes protein predictors and evolutionary conservation, supports a deleterious effect; Has not been previously published as pathogenic or benign to our knowledge

Breakthrough Genomics
Classification: Uncertain significance. Review status: criteria provided, single submitter. Criteria: ACMG Guidelines, 2015. Collection method: not provided. Allele origin: germline. Inheritance: Autosomal dominant inheritance. Affected: yes.